The following is an entry in ClinVar:

ClinVar aggregate classification (germline): Uncertain significance. Review status: criteria provided, multiple submitters, no conflicts (2 of 4 stars). 6 submissions from 5 submitters: Uncertain significance (6). Last evaluated 2025-08-08.

Conditions:
Isolated congenital digital clubbing. Also called: CLUBBING OF DIGITS; ACROPACHY, HEREDITARY. Identifiers: Orphanet 217059, MedGen C0345408, MONDO:0007343, OMIM 119900.
Inborn genetic diseases. Identifiers: MedGen C0950123, MeSH D030342.
Hypertrophic osteoarthropathy, primary, autosomal recessive, 1 (PHOAR1). Also called: PHO, AUTOSOMAL RECESSIVE. Identifiers: Orphanet 1525, Orphanet 2796, MedGen C4551679, MONDO:0024546, OMIM 259100.

Allele frequency attached by ClinVar (database versions not stated): gnomAD 0.00022 and 0.00025; gnomAD exomes 0.00029 and 0.00039; 1000 Genomes Project 30x 0.00031; ExAC 0.00036; 1000 Genomes Project 0.00040; TOPMed 0.00040; ESP Exome Variant Server 0.00046.
gnomAD v4.1: 467 of 1,612,712 alleles (0.029%); highest among the groups gnomAD compares: East Asian, 0.12%; no homozygotes.

Submissions (6):

Ambry Genetics
Classification: Uncertain significance for Inborn genetic diseases. Last evaluated: 2025-08-08. Review status: criteria provided, single submitter. Criteria: Ambry Variant Classification Scheme 2023. Collection method: clinical testing. Allele origin: germline.

Labcorp Genetics (formerly Invitae), Labcorp
Classification: Uncertain significance. Last evaluated: 2022-09-12. Review status: criteria provided, single submitter. Criteria: Invitae Variant Classification Sherloc (09022015). Collection method: clinical testing. Allele origin: germline.
Comment: This sequence change replaces valine, which is neutral and non-polar, with isoleucine, which is neutral and non-polar, at codon 145 of the HPGD protein (p.Val145Ile). This variant is present in population databases (rs139715202, gnomAD 0.1%). This variant has not been reported in the literature in individuals affected with HPGD-related conditions. ClinVar contains an entry for this variant (Variation ID: 289387). Algorithms developed to predict the effect of missense changes on protein structure and function output the following: SIFT: "Tolerated"; PolyPhen-2: "Benign"; Align-GVGD: "Class C0". The isoleucine amino acid residue is found in multiple mammalian species, which suggests that this missense change does not adversely affect protein function. In summary, the available evidence is currently insufficient to determine the role of this variant in disease. Therefore, it has been classified as a Variant of Uncertain Significance.

Illumina Laboratory Services, Illumina
Classification: Uncertain significance for Hypertrophic osteoarthropathy, primary, autosomal recessive, 1. Last evaluated: 2018-01-12. Review status: criteria provided, single submitter. Criteria: ICSL Variant Classification Criteria 13 December 2019. Collection method: clinical testing. Allele origin: germline.

Illumina Laboratory Services, Illumina
Classification: Uncertain significance for Isolated congenital digital clubbing. Last evaluated: 2018-01-12. Review status: criteria provided, single submitter. Criteria: ICSL Variant Classification Criteria 13 December 2019. Collection method: clinical testing. Allele origin: germline.

Eurofins Ntd Llc (ga)
Classification: Uncertain significance. Last evaluated: 2016-08-04. Review status: criteria provided, single submitter. Criteria: EGL Classification Definitions 2015. Collection method: clinical testing. Allele origin: germline. Observed: 1 variant allele, 1 heterozygote.

Breakthrough Genomics
Classification: Uncertain significance. Review status: criteria provided, single submitter. Criteria: ACMG Guidelines, 2015. Collection method: not provided. Allele origin: germline. Inheritance: Autosomal recessive inheritance. Affected: yes.

NM_000860.6(HPGD):c.433G>A (p.Val145Ile)

Gene: HPGD (15-hydroxyprostaglandin dehydrogenase; minus strand). Cytogenetic location: 4q34.1.
Variant type: single nucleotide variant.
Coding change: c.433G>A on transcript NM_000860.6 (MANE Select); coding-DNA position 433, G replaced by A.
Protein change: p.Val145Ile; replaces valine 145 with isoleucine.
Molecular consequence: missense variant. On other transcripts: intron variant (1).
Genome position (GRCh38, 1-based): chr4:174,495,613, C>T on the plus strand (G>A on the coding strand, the complement: HPGD is on the minus strand). VCF-style: chr4-174495613-C-T. GRCh37 (hg19) VCF-style: chr4-175416764-C-T.
Other names: c.433G>A (NM_000860.4); c.433G>A, p.Val145Ile (NM_001145816.3); c.70G>A, p.Val24Ile (NM_001256301.1, NM_001256307.2); c.229G>A, p.Val77Ile (NM_001256306.2); c.422-3519G>A (NM_001256305.2); short protein forms V145I, V77I, V24I.
Identifiers: ClinVar variation 289387 (VCV000289387.13), dbSNP rs139715202, ClinGen allele CA3142262.
Genomic context (GRCh38, chr4:174,495,613, plus strand): 5'-CTGAGCGTGTGAATCCAACTATGCCATGCTTTGAAGCACAATAAACCGGCTGCTGTGCAA[C>T]GGGCATGAGTCCTGAAACAGACAAATATAACATTTAAATGCTTTGATGAAAAAATAAGTA-3'
Protein context (NP_000851.2, residues 135-155): NMSSLAGLMP[Val145Ile]AQQPVYCASK